The following is an entry in ClinVar:

ClinVar aggregate classification (germline): Conflicting classifications of pathogenicity. Review status: criteria provided, conflicting classifications (1 of 4 stars). 2 submissions from 2 submitters: Uncertain significance (1); Benign (1). Last evaluated 2020-05-08.

Conditions:
KMT2C-related NDD.

Submissions (2):

GeneDx
Classification: Uncertain significance. Last evaluated: 2020-05-08. Review status: criteria provided, single submitter. Criteria: GeneDx Variant Classification Process June 2021. Collection method: clinical testing. Allele origin: germline. Affected: yes.
Comment: Not observed in large population cohorts (Lek et al., 2016); Intronic +5 splice site variant in a gene for which loss-of-function is a known mechanism of disease, and both splice predictors and evolutionary conservation support a deleterious effect, although in the absence of functional evidence the actual effect of this sequence change is unknown.; Has not been previously published as pathogenic or benign to our knowledge

Laboratory of Genetics, Children's Clinical University Hospital Latvia
Classification: Benign for KMT2C-related NDD. Review status: criteria provided, single submitter. Criteria: ACMG Guidelines, 2015. Collection method: research. Allele origin: paternal. Affected: yes.

Literature cited by the submitters: PubMed 39013459 (cited by Laboratory of Genetics, Children's Clinical University Hospital Latvia).

NM_170606.3(KMT2C):c.1735+2dup

Gene: KMT2C (lysine methyltransferase 2C; minus strand). Cytogenetic location: 7q36.1.
Variant type: Duplication.
Coding change: c.1735+2dup on transcript NM_170606.3 (MANE Select); the canonical splice donor site of the intron after coding-DNA position 1735, one base duplicated (T; older notation c.1735+2dupT).
Molecular consequence: splice donor variant.
Genome position (GRCh38, 1-based): chr7:152,250,851, A duplicated on the plus strand (T on the coding strand, the reverse complement: KMT2C is on the minus strand). VCF-style (leftmost placement, unchanged base first): chr7-152250850-T-TA. GRCh37 (hg19) VCF-style: chr7-151947935-T-TA.
Other names: c.1735+2dupT (NM_170606.2).
Identifiers: ClinVar variation 452570 (VCV000452570.4), dbSNP rs1554579961, ClinGen allele CA658657739.